The following is an entry in ClinVar:

ClinVar aggregate classification (germline): Uncertain significance (1 of 4 stars; one submission).

Conditions:
Glycine encephalopathy. Also called: Non-ketotic hyperglycinemia; Nonketotic hyperglycinemia. Identifiers: Orphanet 407, MedGen C0751748, MONDO:0011612, HP:0008288.

Submission:

Labcorp Genetics (formerly Invitae), Labcorp
Classification: Uncertain significance for Glycine encephalopathy. Last evaluated: 2023-02-03. Review status: criteria provided, single submitter. Criteria: Invitae Variant Classification Sherloc (09022015). Collection method: clinical testing. Allele origin: germline.
Comment: This sequence change replaces methionine, which is neutral and non-polar, with leucine, which is neutral and non-polar, at codon 696 of the GLDC protein (p.Met696Leu). This variant is not present in population databases (gnomAD no frequency). In summary, the available evidence is currently insufficient to determine the role of this variant in disease. Therefore, it has been classified as a Variant of Uncertain Significance. Advanced modeling of protein sequence and biophysical properties (such as structural, functional, and spatial information, amino acid conservation, physicochemical variation, residue mobility, and thermodynamic stability) performed at Invitae indicates that this missense variant is expected to disrupt GLDC protein function. ClinVar contains an entry for this variant (Variation ID: 1435150). This variant has not been reported in the literature in individuals affected with GLDC-related conditions.

NM_000170.3(GLDC):c.2086A>T (p.Met696Leu)

Gene: GLDC (glycine decarboxylase; minus strand). Cytogenetic location: 9p24.1.
Variant type: single nucleotide variant.
Coding change: c.2086A>T on transcript NM_000170.3 (MANE Select); coding-DNA position 2086, A replaced by T.
Protein change: p.Met696Leu; replaces methionine 696 with leucine.
Molecular consequence: missense variant.
Genome position (GRCh38, 1-based): chr9:6,556,269, T>A on the plus strand (A>T on the coding strand, the complement: GLDC is on the minus strand). VCF-style: chr9-6556269-T-A. GRCh37 (hg19) VCF-style: chr9-6556269-T-A.
Other names: short protein forms M696L.
Identifiers: ClinVar variation 1435150 (VCV001435150.8), dbSNP rs371447782, ClinGen allele CA372881404.